The following is an entry in ClinVar:

ClinVar aggregate classification (germline): Pathogenic/Likely pathogenic. Review status: criteria provided, multiple submitters, no conflicts (2 of 4 stars). 4 submissions from 4 submitters: Pathogenic (1); Likely pathogenic (3). Last evaluated 2024-01-02.

Conditions:
Bethlem myopathy 1A. Also called: Bethlem myopathy 1; Bethlem Muscular Dystrophy; MYOPATHY, BENIGN CONGENITAL, WITH CONTRACTURES. Identifiers: Orphanet 610, MedGen CN029274, MONDO:0024530, OMIM 158810.

Submissions (4):

Labcorp Genetics (formerly Invitae), Labcorp
Classification: Pathogenic for Bethlem myopathy 1A. Last evaluated: 2024-01-02. Review status: criteria provided, single submitter. Criteria: Invitae Variant Classification Sherloc (09022015). Collection method: clinical testing. Allele origin: germline.
Comment: This sequence change replaces glycine, which is neutral and non-polar, with aspartic acid, which is acidic and polar, at codon 2071 of the COL6A3 protein (p.Gly2071Asp). This variant is not present in population databases (gnomAD no frequency). This missense change has been observed in individual(s) with autosomal dominant congenital muscular dystrophy (PMID: 28688748, 34167565). In at least one individual the variant was observed to be de novo. ClinVar contains an entry for this variant (Variation ID: 287817). An algorithm developed to predict the effect of missense changes on protein structure and function (PolyPhen-2) suggests that this variant is likely to be disruptive. This variant disrupts the triple helix domain of COL6A3. Glycine residues within the Gly-Xaa-Yaa repeats of the triple helix domain are required for the structure and stability of fibrillar collagens (PMID: 7695699, 8218237, 19344236). In COL6A3, missense variants at these glycine residues are significantly enriched in individuals with autosomal dominant disease (PMID: 15689448, 24038877) compared to the general population (ExAC). For these reasons, this variant has been classified as Pathogenic.

CeGaT Center for Human Genetics Tuebingen
Classification: Likely pathogenic. Last evaluated: 2021-08-01. Review status: criteria provided, single submitter. Criteria: CeGaT Center For Human Genetics Tuebingen Variant Classification Criteria Version 2. Collection method: clinical testing. Allele origin: germline. Affected: yes. Observed: 1 variant allele.

Eurofins Ntd Llc (ga)
Classification: Likely pathogenic. Last evaluated: 2017-03-21. Review status: criteria provided, single submitter. Criteria: EGL Classification Definitions 2015. Collection method: clinical testing. Allele origin: germline. Observed: 2 variant alleles, 2 heterozygotes.

GeneDx
Classification: Likely pathogenic. Last evaluated: 2016-08-05. Review status: criteria provided, single submitter. Criteria: GeneDx Variant Classification (06012015). Collection method: clinical testing. Allele origin: germline. Affected: yes.
Comment: The G2071D variant has not been published as a pathogenic variant, nor has it been reported as a benign variant to our knowledge. It was not observed in approximately 6,500 individuals of European and African American ancestry in the NHLBI Exome Sequencing Project, indicating it is not a common benign variant in these populations. The G2071D variant is a non-conservative amino acid substitution, which is likely to impact secondary protein structure as these residues differ in polarity, charge, size and/or other properties. This substitution occurs at a conserved position predicted to be within the Gly-X-Y motif of the triple helical domain of collagen VI, and multiple missense variants in this region of the protein have been reported in the Human Gene Mutation Database in association with COL6A3-related disorders (Stenson et al., 2014), supporting the functional importance of this region of the protein. In silico analysis predicts this variant is probably damaging to the protein structure/function. Therefore, this variant is likely pathogenic; however, the possibility that it is benign cannot be excluded.

Literature cited by the submitters: PubMed 28688748 (cited by Labcorp Genetics (formerly Invitae), Labcorp); PubMed 34167565 (cited by Labcorp Genetics (formerly Invitae), Labcorp); PubMed 7695699 (cited by Labcorp Genetics (formerly Invitae), Labcorp); PubMed 8218237 (cited by Labcorp Genetics (formerly Invitae), Labcorp); PubMed 19344236 (cited by Labcorp Genetics (formerly Invitae), Labcorp); PubMed 15689448 (cited by Labcorp Genetics (formerly Invitae), Labcorp); PubMed 24038877 (cited by Labcorp Genetics (formerly Invitae), Labcorp).

NM_004369.4(COL6A3):c.6212G>A (p.Gly2071Asp)

Gene: COL6A3 (collagen type VI alpha 3 chain; minus strand). Cytogenetic location: 2q37.3.
Variant type: single nucleotide variant.
Coding change: c.6212G>A on transcript NM_004369.4 (MANE Select); coding-DNA position 6212, G replaced by A.
Protein change: p.Gly2071Asp; replaces glycine 2071 with aspartic acid.
Molecular consequence: missense variant.
Genome position (GRCh38, 1-based): chr2:237,360,158, C>T on the plus strand (G>A on the coding strand, the complement: COL6A3 is on the minus strand). VCF-style: chr2-237360158-C-T. GRCh37 (hg19) VCF-style: chr2-238268801-C-T.
Other names: c.4391G>A, p.Gly1464Asp (NM_057166.5); c.5594G>A, p.Gly1865Asp (NM_057167.4); short protein forms G2071D, G1865D, G1464D.
Identifiers: ClinVar variation 287817 (VCV000287817.47), dbSNP rs886043737, ClinGen allele CA10605883.